The following is an entry in ClinVar:

NM_001365951.3(KIF1B):c.5353A>G (p.Lys1785Glu)

Gene: KIF1B (kinesin family member 1B; plus strand). Cytogenetic location: 1p36.22.
Variant type: single nucleotide variant.
Coding change: c.5353A>G on transcript NM_001365951.3 (MANE Select); coding-DNA position 5353, A replaced by G.
Protein change: p.Lys1785Glu; replaces lysine 1785 with glutamic acid.
Molecular consequence: missense variant.
Genome position (GRCh38, 1-based): chr1:10,375,318, A>G. VCF-style: chr1-10375318-A-G. GRCh37 (hg19) VCF-style: chr1-10435376-A-G.
Other names: c.5353A>G, p.Lys1785Glu (NM_001365952.1); c.5215A>G, p.Lys1739Glu (NM_015074.3); short protein forms K1739E, K1785E.
Identifiers: ClinVar variation 2563640 (VCV002563640.3), dbSNP rs2521986669, ClinGen allele CA338331929.
Genomic context (GRCh38, chr1:10,375,318, plus strand): 5'-CCAAACACCTTTGCTGTCTGCACAAAGCACCGTGGGGTCCTTTTGCAGGCCCTCAATGAC[A>G]AAGACATGAACGACTGGTTGTATGCCTTCAACCCACTTCTAGCTGGCACAATACGGTAAG-3'
Protein context (NP_001352880.1, residues 1775-1795): RGVLLQALND[Lys1785Glu]DMNDWLYAFN

ClinVar aggregate classification (germline): Uncertain significance. Review status: criteria provided, multiple submitters, no conflicts (2 of 4 stars). 2 submissions from 2 submitters: Uncertain significance (2). Last evaluated 2025-10-12.

Conditions:
Charcot-Marie-Tooth disease type 2. Also called: Charcot-Marie-Tooth type 2. Identifiers: Orphanet 64746, MedGen C0270914, MONDO:0018993.

Submissions (2):

Labcorp Genetics (formerly Invitae), Labcorp
Classification: Uncertain significance for Charcot-Marie-Tooth disease type 2. Last evaluated: 2025-10-12. Review status: criteria provided, single submitter. Criteria: Invitae Variant Classification Sherloc (09022015). Collection method: clinical testing. Allele origin: germline.
Comment: This sequence change replaces lysine, which is basic and polar, with glutamic acid, which is acidic and polar, at codon 1739 of the KIF1B protein (p.Lys1739Glu). This variant is not present in population databases (gnomAD no frequency). This variant has not been reported in the literature in individuals affected with KIF1B-related conditions. ClinVar contains an entry for this variant (Variation ID: 2563640). An algorithm developed to predict the effect of missense changes on protein structure and function (PolyPhen-2) suggests that this variant is likely to be disruptive. In summary, the available evidence is currently insufficient to determine the role of this variant in disease. Therefore, it has been classified as a Variant of Uncertain Significance.

Ambry Genetics
Classification: Uncertain significance. Last evaluated: 2023-05-14. Review status: criteria provided, single submitter. Criteria: Ambry Variant Classification Scheme 2023. Collection method: clinical testing. Allele origin: germline.
Comment: The p.K1739E variant (also known as c.5215A>G), located in coding exon 45 of the KIF1B gene, results from an A to G substitution at nucleotide position 5215. The lysine at codon 1739 is replaced by glutamic acid, an amino acid with similar properties. This amino acid position is conserved. In addition, the in silico prediction for this alteration is inconclusive. Since supporting evidence is limited at this time, the clinical significance of this alteration remains unclear.